The following is an entry in ClinVar:

ClinVar aggregate classification (germline): Uncertain significance (1 of 4 stars; one submission).

Conditions:
Inborn genetic diseases. Identifiers: MedGen C0950123, MeSH D030342.

gnomAD v4.1: 3 of 1,613,948 alleles (0.00019%); highest among the groups gnomAD compares: Non-Finnish European, 0.00017%; no homozygotes.

Submission:

Ambry Genetics
Classification: Uncertain significance for Inborn genetic diseases. Last evaluated: 2025-05-15. Review status: criteria provided, single submitter. Criteria: Ambry Variant Classification Scheme 2023. Collection method: clinical testing. Allele origin: germline.
Comment: The p.G740V variant (also known as c.2219G>T), located in coding exon 1 of the SAMD9 gene, results from a G to T substitution at nucleotide position 2219. The glycine at codon 740 is replaced by valine, an amino acid with dissimilar properties. This amino acid position is conserved. In addition, this alteration is predicted to be deleterious by in silico analysis. Based on the available evidence, the clinical significance of this variant remains unclear.

NM_017654.4(SAMD9):c.2219G>T (p.Gly740Val)

Gene: SAMD9 (sterile alpha motif domain containing 9; minus strand). Cytogenetic location: 7q21.2.
Variant type: single nucleotide variant.
Coding change: c.2219G>T on transcript NM_017654.4 (MANE Select); coding-DNA position 2219, G replaced by T.
Protein change: p.Gly740Val; replaces glycine 740 with valine.
Molecular consequence: missense variant.
Genome position (GRCh38, 1-based): chr7:93,103,879, C>A on the plus strand (G>T on the coding strand, the complement: SAMD9 is on the minus strand). VCF-style: chr7-93103879-C-A. GRCh37 (hg19) VCF-style: chr7-92733192-C-A.
Other names: c.2219G>T, p.Gly740Val (NM_001193307.2); short protein forms G740V.
Identifiers: ClinVar variation 3949623 (VCV003949623.1).
Genomic context (GRCh38, chr7:93,103,879, plus strand): 5'-CATCTGAATTTCTTCCTTAGTTCCCAGAGAATGTGCATAGCCAAGGTAGTTCCCCCACAG[C>A]CTGGATGATGATACAGATGAATAATTTTGGTACTTGTTGGTTTAGAAGAATCTGCACAGT-3'
Protein context (NP_060124.2, residues 730-750): TKIIHLYHHP[Gly740Val]CGGTTLAMHI